The following is an entry in ClinVar:

ClinVar aggregate classification (germline): Pathogenic (1 of 4 stars; one submission).

Submission:

Labcorp Genetics (formerly Invitae), Labcorp
Classification: Pathogenic. Last evaluated: 2022-07-05. Review status: criteria provided, single submitter. Criteria: Invitae Variant Classification Sherloc (09022015). Collection method: clinical testing. Allele origin: germline.
Comment: For these reasons, this variant has been classified as Pathogenic. This variant has not been reported in the literature in individuals affected with CHM-related conditions. This variant is not present in population databases (gnomAD no frequency). This sequence change creates a premature translational stop signal (p.Cys187*) in the CHM gene. It is expected to result in an absent or disrupted protein product. Loss-of-function variants in CHM are known to be pathogenic (PMID: 9067750, 23811034).

Literature cited by the submitters: PubMed 9067750; PubMed 23811034.

NM_000390.4(CHM):c.561T>A (p.Cys187Ter)

Gene: CHM (CHM Rab escort protein; minus strand). Cytogenetic location: Xq21.2.
Variant type: single nucleotide variant.
Coding change: c.561T>A on transcript NM_000390.4 (MANE Select); coding-DNA position 561, T replaced by A.
Protein change: p.Cys187Ter; replaces cysteine 187 with a stop codon.
Molecular consequence: nonsense.
Genome position (GRCh38, 1-based): chrX:85,963,806, A>T on the plus strand (T>A on the coding strand, the complement: CHM is on the minus strand). VCF-style: chrX-85963806-A-T. GRCh37 (hg19) VCF-style: chrX-85218811-A-T.
Other names: c.117T>A, p.Cys39Ter (NM_001320959.1, NM_001362517.1, NM_001362518.2 and 1 more transcripts); short protein forms C187*, C39*.
Identifiers: ClinVar variation 2060704 (VCV002060704.4), dbSNP rs1930422383, ClinGen allele CA413786754.